The following is an entry in ClinVar:

NM_000037.4(ANK1):c.5371_5386del (p.Asn1791fs)

Gene: ANK1 (ankyrin 1; minus strand). Cytogenetic location: 8p11.21.
Variant type: Deletion.
Coding change: c.5371_5386del on transcript NM_000037.4 (MANE Select); coding-DNA positions 5371 to 5386, 16 bases deleted (AACACCTTCACCCAAG).
Protein change: p.Asn1791fs; shifts the reading frame from asparagine 1791.
Molecular consequence: frameshift variant.
Genome position (GRCh38, 1-based): chr8:41,668,275-41,668,290, CTTGGGTGAAGGTGTT deleted on the plus strand (AACACCTTCACCCAAG on the coding strand, the reverse complement: ANK1 is on the minus strand); deleting any 16 consecutive bases within chr8:41,668,275-41,668,295 gives the same sequence; the c. name uses the placement nearest the transcript's 3' end. VCF-style (leftmost placement, unchanged base first): chr8-41668274-ACTTGGGTGAAGGTGTT-A. GRCh37 (hg19) VCF-style: chr8-41525792-ACTTGGGTGAAGGTGTT-A.
Other names: p.Asn1791Trpfs*15; c.5494_5509del, p.Asn1832fs (NM_001142446.2); c.5371_5386del, p.Asn1791fs (NM_020475.3, NM_020476.3); c.4885_4900del, p.Asn1629fs (NM_020477.3); short protein forms N1629fs, N1791fs, N1832fs.
Identifiers: ClinVar variation 3381031 (VCV003381031.1).

ClinVar aggregate classification (germline): Likely pathogenic (1 of 4 stars; one submission).

Submission:

Mayo Clinic Laboratories, Mayo Clinic
Classification: Likely pathogenic. Last evaluated: 2024-02-27. Review status: criteria provided, single submitter. Criteria: ACMG Guidelines, 2015. Collection method: clinical testing. Allele origin: germline. Observed: 1 variant allele.
Comment: PM2_moderate, PVS1